The following is an entry in ClinVar:

NM_000321.3(RB1):c.1918A>C (p.Lys640Gln)

Gene: RB1 (RB transcriptional corepressor 1; plus strand). Cytogenetic location: 13q14.2.
Variant type: single nucleotide variant.
Coding change: c.1918A>C on transcript NM_000321.3 (MANE Select); coding-DNA position 1918, A replaced by C.
Protein change: p.Lys640Gln; replaces lysine 640 with glutamine.
Molecular consequence: missense variant.
Genome position (GRCh38, 1-based): chr13:48,456,307, A>C. VCF-style: chr13-48456307-A-C. GRCh37 (hg19) VCF-style: chr13-49030443-A-C.
Other names: c.1918A>C, p.Lys640Gln (NM_001407165.1); short protein forms K640Q.
Identifiers: ClinVar variation 2780966 (VCV002780966.5), dbSNP rs2138331469, ClinGen allele CA388166131.
Genomic context (GRCh38, chr13:48,456,307, plus strand): 5'-ACGCGTGTAAATTCTACTGCAAATGCAGAGACACAAGCAACCTCAGCCTTCCAGACCCAG[A>C]AGCCATTGAAATCTACCTCTCTTTCACTGTTTTATAAAAAAGGTTAGTAGATGATTATTT-3'
Protein context (NP_000312.2, residues 630-650): TQATSAFQTQ[Lys640Gln]PLKSTSLSLF

ClinVar aggregate classification (germline): Uncertain significance. Review status: criteria provided, multiple submitters, no conflicts (2 of 4 stars). 3 submissions from 3 submitters: Uncertain significance (3). Last evaluated 2024-11-15.

Conditions:
Retinoblastoma (RB1). Also called: RETINOBLASTOMA, SOMATIC. Identifiers: Orphanet 790, MedGen C0035335, MeSH D012175, MONDO:0008380, OMIM 180200, HP:0009919. Disease mechanism: loss of function. Inheritance: Both sporadic and heritable forms are tested..
Hereditary cancer-predisposing syndrome. Also called: Neoplastic Syndromes, Hereditary; Tumor predisposition; Hereditary Cancer Syndrome; Hereditary neoplastic syndrome. Identifiers: Orphanet 140162, MedGen C0027672, MeSH D009386, MONDO:0015356.

Allele frequency attached by ClinVar (database versions not stated): gnomAD exomes below 0.00001.
gnomAD v4.1: 1 of 1,614,230 alleles (0.000062%); no homozygotes.

Submissions (3):

Ambry Genetics
Classification: Uncertain significance for Hereditary cancer-predisposing syndrome. Last evaluated: 2024-11-15. Review status: criteria provided, single submitter. Criteria: Ambry Variant Classification Scheme 2023. Collection method: clinical testing. Allele origin: germline.
Comment: The p.K640Q variant (also known as c.1918A>C), located in coding exon 19 of the RB1 gene, results from an A to C substitution at nucleotide position 1918. The lysine at codon 640 is replaced by glutamine, an amino acid with similar properties. This amino acid position is conserved. In addition, the in silico prediction for this alteration is inconclusive. Based on the available evidence, the clinical significance of this variant remains unclear.

All of Us Research Program, National Institutes of Health
Classification: Uncertain significance for Retinoblastoma. Last evaluated: 2024-01-11. Review status: criteria provided, single submitter. Criteria: ACMG Guidelines, 2015. Collection method: clinical testing. Allele origin: germline. Inheritance: Autosomal dominant inheritance. Observed: 1 variant allele, 1 heterozygote.
Comment: This study involves interpretation of variants in research participants for the purpose of population health screening. Participant phenotype was not available at the time of variant classification. Additional details can be found in publication PMID: 35346344, PMCID: PMC8962531

Labcorp Genetics (formerly Invitae), Labcorp
Classification: Uncertain significance for Retinoblastoma. Last evaluated: 2023-03-17. Review status: criteria provided, single submitter. Criteria: Invitae Variant Classification Sherloc (09022015). Collection method: clinical testing. Allele origin: germline.
Comment: In summary, the available evidence is currently insufficient to determine the role of this variant in disease. Therefore, it has been classified as a Variant of Uncertain Significance. Advanced modeling of protein sequence and biophysical properties (such as structural, functional, and spatial information, amino acid conservation, physicochemical variation, residue mobility, and thermodynamic stability) performed at Invitae indicates that this missense variant is not expected to disrupt RB1 protein function. This variant has not been reported in the literature in individuals affected with RB1-related conditions. This variant is not present in population databases (gnomAD no frequency). This sequence change replaces lysine, which is basic and polar, with glutamine, which is neutral and polar, at codon 640 of the RB1 protein (p.Lys640Gln).